The following is an entry in ClinVar:

NM_005032.7(PLS3):c.1263-319C>A

Gene: PLS3 (plastin 3; plus strand). Cytogenetic location: Xq23.
Variant type: single nucleotide variant.
Coding change: c.1263-319C>A on transcript NM_005032.7 (MANE Select); 319 bases into the intron before coding-DNA position 1263, C replaced by A.
Molecular consequence: intron variant.
Genome position (GRCh38, 1-based): chrX:115,645,753, C>A. VCF-style: chrX-115645753-C-A. GRCh37 (hg19) VCF-style: chrX-114880073-C-A.
Other names: c.1128-319C>A (NM_001282338.2); c.1263-319C>A (NM_001136025.5); c.1182-319C>A (NM_001172335.3); c.1224-319C>A (NM_001282337.2).
Identifiers: ClinVar variation 668770 (VCV000668770.1), dbSNP rs4991873, ClinGen allele CA334698741.
Genomic context (GRCh38, chrX:115,645,753, plus strand): 5'-CTTTTTTTCTTAATAGCACTTACATACACCCCTAAAATTGTTTGTTTATTGTCAACAAAC[C>A]AATACCCCCCGTATTGTTTGTTTATCCATGTACTTGTTTATTGTCTATCTCTCTGACTCT-3'

ClinVar aggregate classification (germline): Benign (1 of 4 stars; one submission).

Allele frequency attached by ClinVar (database versions not stated): gnomAD 0.13898; 1000 Genomes Project 30x 0.17877.
gnomAD v4.1: 16,222 of 110,721 alleles (15%); highest among the groups gnomAD compares: African/African-American, 42%; 2,011 homozygotes.

Submission:

GeneDx
Classification: Benign. Last evaluated: 2018-06-16. Review status: criteria provided, single submitter. Criteria: GeneDx Variant Classification (06012015). Collection method: clinical testing. Allele origin: germline. Affected: yes.
Comment: This variant is considered likely benign or benign based on one or more of the following criteria: it is a conservative change, it occurs at a poorly conserved position in the protein, it is predicted to be benign by multiple in silico algorithms, and/or has population frequency not consistent with disease.